The following is an entry in ClinVar:

NM_001036.6(RYR3):c.940A>G (p.Lys314Glu)

Gene: RYR3 (ryanodine receptor 3; plus strand). Cytogenetic location: 15q14.
Variant type: single nucleotide variant.
Coding change: c.940A>G on transcript NM_001036.6 (MANE Select); coding-DNA position 940, A replaced by G.
Protein change: p.Lys314Glu; replaces lysine 314 with glutamic acid.
Molecular consequence: missense variant.
Genome position (GRCh38, 1-based): chr15:33,550,284, A>G. VCF-style: chr15-33550284-A-G. GRCh37 (hg19) VCF-style: chr15-33842485-A-G.
Other names: c.940A>G, p.Lys314Glu (NM_001243996.4); short protein forms K314E.
Identifiers: ClinVar variation 645123 (VCV000645123.8), dbSNP rs1595549414, ClinGen allele CA391562630.
Genomic context (GRCh38, chr15:33,550,284, plus strand): 5'-TACCTGGCCTTGACAGAAGACCAAGGCCTTATACTGCAAGACCGGGCAAAGTCAGACACC[A>G]AGTCCACAGCTTTCTCTTTCCGGGCATCAAAGGTAAGGTGTGATAAAGTGGACTTTGACC-3'
Protein context (NP_001027.3, residues 304-324): ILQDRAKSDT[Lys314Glu]STAFSFRASK

ClinVar aggregate classification (germline): Uncertain significance (1 of 4 stars; one submission).

Conditions:
Epileptic encephalopathy. Identifiers: MedGen C0543888, HP:0200134.

Allele frequency attached by ClinVar (database versions not stated): gnomAD exomes below 0.00001.
gnomAD v4.1: 1 of 1,613,482 alleles (0.000062%); highest among the groups gnomAD compares: Non-Finnish European, 0.000085%; no homozygotes.

Submission:

Labcorp Genetics (formerly Invitae), Labcorp
Classification: Uncertain significance for Epileptic encephalopathy. Last evaluated: 2018-11-01. Review status: criteria provided, single submitter. Criteria: Invitae Variant Classification Sherloc (09022015). Collection method: clinical testing. Allele origin: germline.
Comment: This sequence change replaces lysine with glutamic acid at codon 314 of the RYR3 protein (p.Lys314Glu). The lysine residue is weakly conserved and there is a small physicochemical difference between lysine and glutamic acid. This variant is not present in population databases (ExAC no frequency). This variant has not been reported in the literature in individuals with RYR3-related disease. Algorithms developed to predict the effect of missense changes on protein structure and function (SIFT, PolyPhen-2, Align-GVGD) all suggest that this variant is likely to be tolerated, but these predictions have not been confirmed by published functional studies and their clinical significance is uncertain. In summary, the available evidence is currently insufficient to determine the role of this variant in disease. Therefore, it has been classified as a Variant of Uncertain Significance.